The following is an entry in ClinVar:

ClinVar aggregate classification (germline): Uncertain significance. Review status: criteria provided, multiple submitters, no conflicts (2 of 4 stars). 2 submissions from 2 submitters: Uncertain significance (2). Last evaluated 2025-10-08.

gnomAD v4.1: 19 of 1,551,584 alleles (0.0012%); highest among the groups gnomAD compares: East Asian, 0.0024%; no homozygotes.

Submissions (2):

Labcorp Genetics (formerly Invitae), Labcorp
Classification: Uncertain significance. Last evaluated: 2025-10-08. Review status: criteria provided, single submitter. Criteria: Invitae Variant Classification Sherloc (09022015). Collection method: clinical testing. Allele origin: germline.
Comment: This sequence change replaces arginine, which is basic and polar, with histidine, which is basic and polar, at codon 1248 of the WDR87 protein (p.Arg1248His). This variant is present in population databases (rs778062858, gnomAD 0.002%). This variant has not been reported in the literature in individuals affected with WDR87-related conditions. An algorithm developed to predict the effect of missense changes on protein structure and function outputs the following: PolyPhen-2: "Benign". The histidine amino acid residue is found in multiple mammalian species, which suggests that this missense change does not adversely affect protein function. In summary, the available evidence is currently insufficient to determine the role of this variant in disease. Therefore, it has been classified as a Variant of Uncertain Significance.

Ambry Genetics
Classification: Uncertain significance. Last evaluated: 2025-08-09. Review status: criteria provided, single submitter. Criteria: Ambry Variant Classification Scheme 2023. Collection method: clinical testing. Allele origin: germline.

NM_001291088.2(WDR87):c.3860G>A (p.Arg1287His)

Gene: WDR87 (WD repeat domain 87; minus strand). Cytogenetic location: 19q13.13.
Variant type: single nucleotide variant.
Coding change: c.3860G>A on transcript NM_001291088.2 (MANE Select); coding-DNA position 3860, G replaced by A.
Protein change: p.Arg1287His; replaces arginine 1287 with histidine.
Molecular consequence: missense variant.
Genome position (GRCh38, 1-based): chr19:37,889,811, C>T on the plus strand (G>A on the coding strand, the complement: WDR87 is on the minus strand). VCF-style: chr19-37889811-C-T. GRCh37 (hg19) VCF-style: chr19-38380451-C-T.
Other names: c.3743G>A, p.Arg1248His (NM_031951.5); short protein forms R1248H, R1287H.
Identifiers: ClinVar variation 4201099 (VCV004201099.2).